The following is an entry in ClinVar:

ClinVar aggregate classification (germline): Uncertain significance (1 of 4 stars; one submission).

Conditions:
CHD4-related disorder. Also called: CHD4-related condition.

gnomAD v4.1: 4 of 1,614,196 alleles (0.00025%); highest among the groups gnomAD compares: Non-Finnish European, 0.00034%; no homozygotes.

Submission:

PreventionGenetics, part of Exact Sciences
Classification: Uncertain significance for CHD4-related condition. Last evaluated: 2025-01-06. Review status: criteria provided, single submitter. Criteria: ACMG Guidelines, 2015. Collection method: clinical testing. Allele origin: germline.
Comment: The CHD4 c.4936G>C variant is predicted to result in the amino acid substitution p.Glu1646Gln. To our knowledge, this variant has not been reported in the literature. This variant is reported in 0.00088% of alleles in individuals of European (Non-Finnish) descent in gnomAD. At this time, the clinical significance of this variant is uncertain due to the absence of conclusive functional and genetic evidence.

NM_001273.5(CHD4):c.4936G>C (p.Glu1646Gln)

Genes: CHD4 (chromodomain helicase DNA binding protein 4; minus strand), CHD4-AS1 (CHD4 antisense RNA 1; plus strand). Cytogenetic location: 12p13.31.
Variant type: single nucleotide variant.
Coding change: c.4936G>C on transcript NM_001273.5 (MANE Select); coding-DNA position 4936, G replaced by C.
Protein change: p.Glu1646Gln; replaces glutamic acid 1646 with glutamine.
Molecular consequence: missense variant.
Genome position (GRCh38, 1-based): chr12:6,578,891, C>G on the plus strand (G>C on the coding strand, the complement: CHD4 is on the minus strand). VCF-style: chr12-6578891-C-G. GRCh37 (hg19) VCF-style: chr12-6688057-C-G.
Other names: c.4915G>C, p.Glu1639Gln (NM_001297553.2); c.4903G>C, p.Glu1635Gln (NM_001363606.2); short protein forms E1646Q, E1635Q, E1639Q.
Identifiers: ClinVar variation 4984977 (VCV004984977.1).